The following is an entry in ClinVar:

NM_006904.7(PRKDC):c.4264A>G (p.Lys1422Glu)

Gene: PRKDC (protein kinase, DNA-activated, catalytic subunit; minus strand). Cytogenetic location: 8q11.21.
Variant type: single nucleotide variant.
Coding change: c.4264A>G on transcript NM_006904.7 (MANE Select); coding-DNA position 4264, A replaced by G.
Protein change: p.Lys1422Glu; replaces lysine 1422 with glutamic acid.
Molecular consequence: missense variant.
Genome position (GRCh38, 1-based): chr8:47,889,030, T>C on the plus strand (A>G on the coding strand, the complement: PRKDC is on the minus strand). VCF-style: chr8-47889030-T-C. GRCh37 (hg19) VCF-style: chr8-48801591-T-C.
Other names: c.4264A>G, p.Lys1422Glu (NM_001081640.2); short protein forms K1422E.
Identifiers: ClinVar variation 2564510 (VCV002564510.2), dbSNP rs2551873726, ClinGen allele CA371146144.

ClinVar aggregate classification (germline): Uncertain significance (1 of 4 stars; one submission).

Allele frequency attached by ClinVar (database versions not stated): gnomAD exomes below 0.00001.
gnomAD v4.1: 2 of 1,613,774 alleles (0.00012%); highest among the groups gnomAD compares: Non-Finnish European, 0.00017%; no homozygotes.

Submission:

Ambry Genetics
Classification: Uncertain significance. Last evaluated: 2023-03-31. Review status: criteria provided, single submitter. Criteria: Ambry Variant Classification Scheme 2023. Collection method: clinical testing. Allele origin: germline.
Comment: The p.K1422E variant (also known as c.4264A>G), located in coding exon 33 of the PRKDC gene, results from an A to G substitution at nucleotide position 4264. The lysine at codon 1422 is replaced by glutamic acid, an amino acid with similar properties. This amino acid position is conserved. In addition, this alteration is predicted to be tolerated by in silico analysis. Since supporting evidence is limited at this time, the clinical significance of this alteration remains unclear.